The following is an entry in ClinVar:

NM_058216.3(RAD51C):c.513C>T (p.Asp171=)

Gene: RAD51C (RAD51 paralog C; plus strand). Cytogenetic location: 17q22.
Variant type: single nucleotide variant.
Coding change: c.513C>T on transcript NM_058216.3 (MANE Select); coding-DNA position 513, C replaced by T.
Protein change: p.Asp171=; no amino-acid change (aspartic acid 171 retained).
Molecular consequence: synonymous variant.
Genome position (GRCh38, 1-based): chr17:58,696,801, C>T. VCF-style: chr17-58696801-C-T. GRCh37 (hg19) VCF-style: chr17-56774162-C-T.
Other names: c.513C>T (LRG_314t1).
Identifiers: ClinVar variation 184256 (VCV000184256.24), dbSNP rs140279158, ClinGen allele CA188392.

ClinVar aggregate classification (germline): Benign/Likely benign. Review status: criteria provided, multiple submitters, no conflicts (2 of 4 stars). 9 submissions from 9 submitters: Benign (1); Likely benign (7). 1 of the submissions does not count toward it. Last evaluated 2026-01-11.

Conditions:
RAD51C-related disorder. Also called: RAD51C-related condition; RAD51C-related disorders.
Breast and/or ovarian cancer. Identifiers: MedGen CN221562.
Hereditary cancer-predisposing syndrome. Also called: Tumor predisposition; Neoplastic Syndromes, Hereditary; Hereditary neoplastic syndrome; Hereditary Cancer Syndrome. Identifiers: Orphanet 140162, MedGen C0027672, MeSH D009386, MONDO:0015356.
Fanconi anemia complementation group O. Also called: RAD51C-Related Fanconi Anemia. Identifiers: Orphanet 84, MedGen C3150653, MONDO:0013248, OMIM 613390.
Breast-ovarian cancer, familial, susceptibility to, 3. Also called: RAD51C-Related Breast/Ovarian Cancer. Identifiers: Orphanet 145, MedGen C3150659, MONDO:0013253, OMIM 613399.

Allele frequency attached by ClinVar (database versions not stated): gnomAD 0.00002; TOPMed 0.00002; gnomAD exomes 0.00003; ExAC 0.00004; ESP Exome Variant Server 0.00008.
gnomAD v4.1: 86 of 1,614,004 alleles (0.0053%); highest among the groups gnomAD compares: Non-Finnish European, 0.0067%; no homozygotes.

Submissions (9):

Labcorp Genetics (formerly Invitae), Labcorp
Classification: Likely benign for Fanconi anemia complementation group O. Last evaluated: 2026-01-11. Review status: criteria provided, single submitter. Criteria: Invitae Variant Classification Sherloc (09022015). Collection method: clinical testing. Allele origin: germline.

Myriad Genetics, Inc.
Classification: Benign for Breast-ovarian cancer, familial, susceptibility to, 3. Last evaluated: 2025-02-18. Review status: criteria provided, single submitter. Criteria: Myriad Autosomal Dominant, Autosomal Recessive and X-Linked Classification Criteria (2023). Collection method: clinical testing. Allele origin: unknown.
Comment: This variant is considered benign. This variant is a silent/synonymous amino acid change and it is not expected to impact splicing.

Blueprint Genetics
Classification: Likely benign. Last evaluated: 2024-11-22. Review status: criteria provided, single submitter. Criteria: ACMG Guidelines, 2015. Collection method: clinical testing. Allele origin: germline.

CHEO Genetics Diagnostic Laboratory, Children's Hospital of Eastern Ontario
Classification: Likely benign for Breast and/or ovarian cancer. Last evaluated: 2021-06-03. Review status: criteria provided, single submitter. Criteria: ACMG Guidelines, 2015. Collection method: clinical testing. Allele origin: germline.

GeneDx
Classification: Likely benign. Last evaluated: 2017-10-23. Review status: criteria provided, single submitter. Criteria: GeneDx Variant Classification (06012015). Collection method: clinical testing. Allele origin: germline. Affected: yes.
Comment: This variant is considered likely benign or benign based on one or more of the following criteria: it is a conservative change, it occurs at a poorly conserved position in the protein, it is predicted to be benign by multiple in silico algorithms, and/or has population frequency not consistent with disease.

Quest Diagnostics Nichols Institute San Juan Capistrano
Classification: Likely benign. Last evaluated: 2017-05-18. Review status: criteria provided, single submitter. Criteria: Quest Diagnostics criteria. Collection method: clinical testing. Allele origin: germline.

Color Diagnostics, LLC DBA Color Health
Classification: Likely benign for Hereditary cancer-predisposing syndrome. Last evaluated: 2016-01-05. Review status: criteria provided, single submitter. Criteria: ACMG Guidelines, 2015. Collection method: clinical testing. Allele origin: germline.

Ambry Genetics
Classification: Likely benign for Hereditary cancer-predisposing syndrome. Last evaluated: 2015-04-23. Review status: criteria provided, single submitter. Criteria: Ambry Variant Classification Scheme 2023. Collection method: clinical testing. Allele origin: germline.

PreventionGenetics, part of Exact Sciences
Classification: Likely benign for RAD51C-related condition. Last evaluated: 2019-09-17. Review status: no assertion criteria provided. Collection method: clinical testing. Allele origin: germline. Not counted in ClinVar's aggregate classification.
Comment: This variant is classified as likely benign based on ACMG/AMP sequence variant interpretation guidelines (Richards et al. 2015 PMID: 25741868, with internal and published modifications).